The following is an entry in ClinVar:

NM_004360.5(CDH1):c.1091C>T (p.Thr364Ile)

Gene: CDH1 (cadherin 1; plus strand). Cytogenetic location: 16q22.1.
Variant type: single nucleotide variant.
Coding change: c.1091C>T on transcript NM_004360.5 (MANE Select); coding-DNA position 1091, C replaced by T.
Protein change: p.Thr364Ile; replaces threonine 364 with isoleucine.
Molecular consequence: missense variant. On other transcripts: 5 prime UTR variant (2).
Genome position (GRCh38, 1-based): chr16:68,812,217, C>T. VCF-style: chr16-68812217-C-T. GRCh37 (hg19) VCF-style: chr16-68846120-C-T.
Other names: c.1091C>T, p.Thr364Ile (NM_001317184.2); c.-525C>T (NM_001317185.2); c.-729C>T (NM_001317186.2); c.1091C>T (LRG_301t1); short protein forms T364I.
Identifiers: ClinVar variation 230083 (VCV000230083.18), dbSNP rs876658376, ClinGen allele CA10580102.

ClinVar aggregate classification (germline): Uncertain significance. Review status: criteria provided, multiple submitters, no conflicts (2 of 4 stars). 3 submissions from 3 submitters: Uncertain significance (3). Last evaluated 2025-08-11.

Conditions:
Hereditary cancer-predisposing syndrome. Also called: Hereditary Cancer Syndrome; Neoplastic Syndromes, Hereditary; Tumor predisposition; Hereditary neoplastic syndrome. Identifiers: Orphanet 140162, MedGen C0027672, MeSH D009386, MONDO:0015356.
Hereditary diffuse gastric adenocarcinoma (HDGC). Also called: DIFFUSE GASTRIC AND LOBULAR BREAST CANCER SYNDROME. Identifiers: Orphanet 26106, MedGen C1708349, MONDO:0007648, OMIM 137215.

Submissions (3):

Labcorp Genetics (formerly Invitae), Labcorp
Classification: Uncertain significance for Hereditary diffuse gastric adenocarcinoma. Last evaluated: 2025-08-11. Review status: criteria provided, single submitter. Criteria: Invitae Variant Classification Sherloc (09022015). Collection method: clinical testing. Allele origin: germline.
Comment: This sequence change replaces threonine, which is neutral and polar, with isoleucine, which is neutral and non-polar, at codon 364 of the CDH1 protein (p.Thr364Ile). This variant is not present in population databases (gnomAD no frequency). This missense change has been observed in individual(s) with breast cancer (PMID: 30982232). ClinVar contains an entry for this variant (Variation ID: 230083). An algorithm developed to predict the effect of missense changes on protein structure and function (PolyPhen-2) suggests that this variant is likely to be tolerated. In summary, the available evidence is currently insufficient to determine the role of this variant in disease. Therefore, it has been classified as a Variant of Uncertain Significance.

Color Diagnostics, LLC DBA Color Health
Classification: Uncertain significance for Hereditary cancer-predisposing syndrome. Last evaluated: 2025-02-18. Review status: criteria provided, single submitter. Criteria: ACMG Guidelines, 2015. Collection method: clinical testing. Allele origin: germline.
Comment: This missense variant replaces threonine with isoleucine at codon 364 of the CDH1 protein. To our knowledge, functional studies have not been reported for this variant. This variant has been reported in a cohort of individuals with familial breast/ovarian cancer (PMID: 30982232). This variant has not been identified in the general population by the Genome Aggregation Database (gnomAD). The available evidence is insufficient to determine the role of this variant in disease conclusively. Therefore, this variant is classified as a Variant of Uncertain Significance.

Ambry Genetics
Classification: Uncertain significance for Hereditary cancer-predisposing syndrome. Last evaluated: 2023-12-27. Review status: criteria provided, single submitter. Criteria: Ambry Variant Classification Scheme 2023. Collection method: clinical testing. Allele origin: germline.
Comment: The p.T364I variant (also known as c.1091C>T), located in coding exon 8 of the CDH1 gene, results from a C to T substitution at nucleotide position 1091. The threonine at codon 364 is replaced by isoleucine, an amino acid with similar properties. This alteration was detected in a cohort of 481 female Chinese patients with familial breast and/or ovarian cancer (Wang J et al. Cancer Med, 2019 05;8:2074-2084). This amino acid position is not well conserved in available vertebrate species. In addition, this alteration is predicted to be tolerated by in silico analysis. Since supporting evidence is limited at this time, the clinical significance of this alteration remains unclear.

Literature cited by the submitters: PubMed 30982232 (cited by 3 submitters).